The following is an entry in ClinVar:

ClinVar aggregate classification (germline): Uncertain significance (1 of 4 stars; one submission).

Allele frequency attached by ClinVar (database versions not stated): gnomAD exomes below 0.00001 and 0.00001.
gnomAD v4.1: 2 of 1,614,110 alleles (0.00012%); highest among the groups gnomAD compares: Non-Finnish European, 0.00017%; no homozygotes.

Submission:

GeneDx
Classification: Uncertain significance. Last evaluated: 2021-05-12. Review status: criteria provided, single submitter. Criteria: GeneDx Variant Classification Process June 2021. Collection method: clinical testing. Allele origin: germline. Affected: yes.
Comment: Not observed at a significant frequency in large population cohorts (Lek et al., 2016); In silico analysis supports that this missense variant has a deleterious effect on protein structure/function; Has not been previously published as pathogenic or benign to our knowledge

NM_000254.3(MTR):c.2656G>A (p.Ala886Thr)

Gene: MTR (5-methyltetrahydrofolate-homocysteine methyltransferase; plus strand). Cytogenetic location: 1q43.
Variant type: single nucleotide variant.
Coding change: c.2656G>A on transcript NM_000254.3 (MANE Select); coding-DNA position 2656, G replaced by A.
Protein change: p.Ala886Thr; replaces alanine 886 with threonine.
Molecular consequence: missense variant.
Genome position (GRCh38, 1-based): chr1:236,880,816, G>A. VCF-style: chr1-236880816-G-A. GRCh37 (hg19) VCF-style: chr1-237044116-G-A.
Other names: c.2503G>A, p.Ala835Thr (NM_001291939.1); c.1435G>A, p.Ala479Thr (NM_001291940.2); short protein forms A479T, A835T, A886T.
Identifiers: ClinVar variation 1321514 (VCV001321514.2), dbSNP rs1349129209, ClinGen allele CA345383174.